The following is an entry in ClinVar:

ClinVar aggregate classification (germline): Likely benign. Review status: criteria provided, multiple submitters, no conflicts (2 of 4 stars). 4 submissions from 4 submitters: Likely benign (4). Last evaluated 2024-12-10.

Conditions:
Familial thoracic aortic aneurysm and aortic dissection (TAAD). Also called: Thoracic aortic aneurysms and dissections. Identifiers: Orphanet 91387, MedGen C4707243, MONDO:0019625.
Marfan syndrome (MFS). Also called: Marfan syndrome, classic; Marfan syndrome type 1; Marfan's syndrome; FBN1-Related Marfan Syndrome; MARFAN SYNDROME, TYPE I. Identifiers: Orphanet 284963, Orphanet 558, MedGen C0024796, MONDO:0007947, OMIM 154700.

Allele frequency attached by ClinVar (database versions not stated): gnomAD 0.00001; gnomAD exomes below 0.00001.
gnomAD v4.1: 2 of 1,613,280 alleles (0.00012%); highest among the groups gnomAD compares: Non-Finnish European, 0.00017%; no homozygotes.

Submissions (4):

Labcorp Genetics (formerly Invitae), Labcorp
Classification: Likely benign for Marfan syndrome; Familial thoracic aortic aneurysm and aortic dissection. Last evaluated: 2024-12-10. Review status: criteria provided, single submitter. Criteria: Invitae Variant Classification Sherloc (09022015). Collection method: clinical testing. Allele origin: germline.

Ambry Genetics
Classification: Likely benign for Familial thoracic aortic aneurysm and aortic dissection. Last evaluated: 2024-10-08. Review status: criteria provided, single submitter. Criteria: Ambry Variant Classification Scheme 2023. Collection method: clinical testing. Allele origin: germline.

All of Us Research Program, National Institutes of Health
Classification: Likely benign for Marfan syndrome. Last evaluated: 2023-09-04. Review status: criteria provided, single submitter. Criteria: ACMG Guidelines, 2015. Collection method: clinical testing. Allele origin: germline. Inheritance: Autosomal dominant inheritance. Observed: 1 variant allele, 1 heterozygote.
Comment: This study involves interpretation of variants in research participants for the purpose of population health screening. Participant phenotype was not available at the time of variant classification. Additional details can be found in publication PMID: 35346344, PMCID: PMC8962531

Color Diagnostics, LLC DBA Color Health
Classification: Likely benign for Familial thoracic aortic aneurysm and aortic dissection. Last evaluated: 2019-01-27. Review status: criteria provided, single submitter. Criteria: ACMG Guidelines, 2015. Collection method: clinical testing. Allele origin: germline.

NM_000138.5(FBN1):c.756C>T (p.Ala252=)

Gene: FBN1 (fibrillin 1; minus strand). Cytogenetic location: 15q21.1.
Variant type: single nucleotide variant.
Coding change: c.756C>T on transcript NM_000138.5 (MANE Select); coding-DNA position 756, C replaced by T.
Protein change: p.Ala252=; no amino-acid change (alanine 252 retained).
Molecular consequence: synonymous variant.
Genome position (GRCh38, 1-based): chr15:48,534,186, G>A on the plus strand (C>T on the coding strand, the complement: FBN1 is on the minus strand). VCF-style: chr15-48534186-G-A. GRCh37 (hg19) VCF-style: chr15-48826383-G-A.
Identifiers: ClinVar variation 919443 (VCV000919443.7), dbSNP rs1398534692, ClinGen allele CA490028706.